The following is an entry in ClinVar:

ClinVar aggregate classification (germline): Uncertain significance (1 of 4 stars; one submission).

Conditions:
Hereditary cancer-predisposing syndrome. Also called: Neoplastic Syndromes, Hereditary; Tumor predisposition; Hereditary Cancer Syndrome; Hereditary neoplastic syndrome. Identifiers: Orphanet 140162, MedGen C0027672, MeSH D009386, MONDO:0015356.

Submission:

Color Diagnostics, LLC DBA Color Health
Classification: Uncertain significance for Hereditary cancer-predisposing syndrome. Last evaluated: 2024-03-06. Review status: criteria provided, single submitter. Criteria: ACMG Guidelines, 2015. Collection method: clinical testing. Allele origin: germline.
Comment: This missense variant replaces aspartic acid with asparagine at codon 73 of the BAP1 protein. Computational prediction suggests that this variant may not impact protein structure and function (internally defined REVEL score threshold <= 0.5, PMID: 27666373). Splice site prediction tools suggest that this variant may impact RNA splicing. To our knowledge, functional studies have not been performed for this variant. This variant has not been reported in individuals affected with hereditary cancer in the literature. This variant has not been identified in the general population by the Genome Aggregation Database (gnomAD). The available evidence is insufficient to determine the role of this variant in disease conclusively. Therefore, this variant is classified as a Variant of Uncertain Significance.

NM_004656.4(BAP1):c.217G>A (p.Asp73Asn)

Gene: BAP1 (BRCA1 associated deubiquitinase 1; minus strand). Cytogenetic location: 3p21.1.
Variant type: single nucleotide variant.
Coding change: c.217G>A on transcript NM_004656.4 (MANE Select); coding-DNA position 217, G replaced by A.
Protein change: p.Asp73Asn; replaces aspartic acid 73 with asparagine.
Molecular consequence: missense variant.
Genome position (GRCh38, 1-based): chr3:52,408,512, C>T on the plus strand (G>A on the coding strand, the complement: BAP1 is on the minus strand). VCF-style: chr3-52408512-C-T. GRCh37 (hg19) VCF-style: chr3-52442528-C-T.
Other names: short protein forms D73N.
Identifiers: ClinVar variation 921998 (VCV000921998.4), dbSNP rs1705236144, ClinGen allele CA353113161.